The following is an entry in ClinVar:

NM_004656.4(BAP1):c.1895T>C (p.Leu632Pro)

Gene: BAP1 (BRCA1 associated deubiquitinase 1; minus strand). Cytogenetic location: 3p21.1.
Variant type: single nucleotide variant.
Coding change: c.1895T>C on transcript NM_004656.4 (MANE Select); coding-DNA position 1895, T replaced by C.
Protein change: p.Leu632Pro; replaces leucine 632 with proline.
Molecular consequence: missense variant.
Genome position (GRCh38, 1-based): chr3:52,402,867, A>G on the plus strand (T>C on the coding strand, the complement: BAP1 is on the minus strand). VCF-style: chr3-52402867-A-G. GRCh37 (hg19) VCF-style: chr3-52436883-A-G.
Other names: short protein forms L632P.
Identifiers: ClinVar variation 840546 (VCV000840546.12), dbSNP rs1705011626, ClinGen allele CA353096968.
Genomic context (GRCh38, chr3:52,402,867, plus strand): 5'-TCCTTGAGGCACGCCTCATAGTTTGCAATCTCAGCCTCCACACACTTCAGCAGTGCCAGC[A>G]GCTCCTGCCAAAACCCAGCATTGCACCTCTGATCGGGGCGGGCCAGCAACAAAGCCCCAC-3'
Protein context (NP_004647.1, residues 622-642): LSGEKYSPKE[Leu632Pro]LALLKCVEAE

ClinVar aggregate classification (germline): Uncertain significance. Review status: criteria provided, multiple submitters, no conflicts (2 of 4 stars). 3 submissions from 3 submitters: Uncertain significance (3). Last evaluated 2026-09-09.

Conditions:
BAP1-related tumor predisposition syndrome (TPDS1). Also called: Tumor susceptibility linked to germline BAP1 mutations; COMMON Syndrome; TUMOR PREDISPOSITION SYNDROME 1; BAP1 tumor predisposition syndrome. Identifiers: Orphanet 289539, MedGen C3280492, MONDO:0013692, OMIM 614327.
Hereditary cancer-predisposing syndrome. Also called: Tumor predisposition; Hereditary neoplastic syndrome; Neoplastic Syndromes, Hereditary; Hereditary Cancer Syndrome. Identifiers: Orphanet 140162, MedGen C0027672, MeSH D009386, MONDO:0015356.

Submissions (3):

Ambry Genetics
Classification: Uncertain significance for Hereditary cancer-predisposing syndrome. Last evaluated: 2026-09-09. Review status: criteria provided, single submitter. Criteria: Ambry Variant Classification Scheme 2023. Collection method: clinical testing. Allele origin: germline.
Comment: The p.L632P variant (also known as c.1895T>C), located in coding exon 15 of the BAP1 gene, results from a T to C substitution at nucleotide position 1895. The leucine at codon 632 is replaced by proline, an amino acid with similar properties. This amino acid position is highly conserved in available vertebrate species. In addition, this alteration is predicted to be deleterious by in silico analysis. Based on the available evidence, the clinical significance of this variant remains unclear.

Labcorp Genetics (formerly Invitae), Labcorp
Classification: Uncertain significance for BAP1-related tumor predisposition syndrome. Last evaluated: 2024-08-22. Review status: criteria provided, single submitter. Criteria: Invitae Variant Classification Sherloc (09022015). Collection method: clinical testing. Allele origin: germline.
Comment: This sequence change replaces leucine, which is neutral and non-polar, with proline, which is neutral and non-polar, at codon 632 of the BAP1 protein (p.Leu632Pro). This variant is not present in population databases (gnomAD no frequency). This variant has not been reported in the literature in individuals affected with BAP1-related conditions. ClinVar contains an entry for this variant (Variation ID: 840546). Invitae Evidence Modeling of protein sequence and biophysical properties (such as structural, functional, and spatial information, amino acid conservation, physicochemical variation, residue mobility, and thermodynamic stability) indicates that this missense variant is expected to disrupt BAP1 protein function with a positive predictive value of 80%. In summary, the available evidence is currently insufficient to determine the role of this variant in disease. Therefore, it has been classified as a Variant of Uncertain Significance.

Color Diagnostics, LLC DBA Color Health
Classification: Uncertain significance for Hereditary cancer-predisposing syndrome. Last evaluated: 2024-02-06. Review status: criteria provided, single submitter. Criteria: ACMG Guidelines, 2015. Collection method: clinical testing. Allele origin: germline.
Comment: This missense variant replaces leucine with proline at codon 632 of the BAP1 protein. Computational prediction is inconclusive regarding the impact of this variant on protein structure and function. To our knowledge, functional studies have not been reported for this variant. This variant has not been reported in individuals affected with BAP1-related disorders in the literature. This variant has not been identified in the general population by the Genome Aggregation Database (gnomAD). The available evidence is insufficient to determine the role of this variant in disease conclusively. Therefore, this variant is classified as a Variant of Uncertain Significance.